The following is an entry in ClinVar:

ClinVar aggregate classification (germline): Uncertain significance (1 of 4 stars; one submission).

Submission:

GeneDx
Classification: Uncertain significance. Last evaluated: 2016-12-12. Review status: criteria provided, single submitter. Criteria: GeneDx Variant Classification (06012015). Collection method: clinical testing. Allele origin: germline. Affected: yes.
Comment: The G295D variant in the PLEKHM1 gene has not been reported previously as a pathogenic variant, nor as a benign variant, to our knowledge. The G295D variant was not observed in approximately 6500 individuals of European and African American ancestry in the NHLBI Exome Sequencing Project, indicating it is not a common benign variant in these populations. The G295D variant is a non-conservative amino acid substitution, which is likely to impact secondary protein structure as these residues differ in polarity, charge, size and/or other properties. This substitution occurs at a position that is conserved in mammals, however, in silico analysis is inconsistent in its predictions as to whether or not the variant is damaging to the protein structure/function. We interpret G295D as a variant of uncertain significance.

NM_014798.3(PLEKHM1):c.884G>A (p.Gly295Asp)

Gene: PLEKHM1 (pleckstrin homology and RUN domain containing M1; minus strand). Cytogenetic location: 17q21.31.
Variant type: single nucleotide variant.
Coding change: c.884G>A on transcript NM_014798.3 (MANE Select); coding-DNA position 884, G replaced by A.
Protein change: p.Gly295Asp; replaces glycine 295 with aspartic acid.
Molecular consequence: missense variant. On other transcripts: non-coding transcript variant (2).
Genome position (GRCh38, 1-based): chr17:45,475,139, C>T on the plus strand (G>A on the coding strand, the complement: PLEKHM1 is on the minus strand). VCF-style: chr17-45475139-C-T. GRCh37 (hg19) VCF-style: chr17-43552505-C-T.
Other names: c.884G>A, p.Gly295Asp (NM_001352825.2); short protein forms G295D.
Identifiers: ClinVar variation 373763 (VCV000373763.1), dbSNP rs1057518595, ClinGen allele CA16043126.